The following is an entry in ClinVar:

NM_004431.5(EPHA2):c.2145G>T (p.Gln715His)

Gene: EPHA2 (EPH receptor A2; minus strand). Cytogenetic location: 1p36.13.
Variant type: single nucleotide variant.
Coding change: c.2145G>T on transcript NM_004431.5 (MANE Select); coding-DNA position 2145, G replaced by T.
Protein change: p.Gln715His; replaces glutamine 715 with histidine.
Molecular consequence: missense variant.
Genome position (GRCh38, 1-based): chr1:16,132,244, C>A on the plus strand (G>T on the coding strand, the complement: EPHA2 is on the minus strand). VCF-style: chr1-16132244-C-A. GRCh37 (hg19) VCF-style: chr1-16458739-C-A.
Other names: p.Gln715His; c.1983G>T, p.Gln661His (NM_001329090.2); short protein forms Q661H, Q715H.
Identifiers: ClinVar variation 3255505 (VCV003255505.2), dbSNP rs2124201142.

ClinVar aggregate classification (germline): Uncertain significance (1 of 4 stars; one submission).

Conditions:
Cataract 6 multiple types. Also called: CATARACT, AGE-RELATED CORTICAL, 2; CATARACT 6, POSTERIOR POLAR; CATARACT 6, CONGENITAL TOTAL. Identifiers: Orphanet 91492, MedGen C1861825, MONDO:0007288, OMIM 116600.

Submission:

Foundation for Research in Genetics and Endocrinology, FRIGE's Institute of Human Genetics
Classification: Uncertain significance for Cataract 6 multiple types. Review status: criteria provided, single submitter. Criteria: ACMG Guidelines, 2015. Collection method: clinical testing. Allele origin: germline. Inheritance: Autosomal dominant inheritance. Affected: yes. Observed: 1 heterozygote.
Comment: A heterozygous missense variant in exon 13 of the EPHA2 gene that results in the amino acid substitution of Histidine for Glutamine at codon 715 was detected. The variant has not been reported in the 1000 genomes, gnomAD (v3.1), gnomAD (v2.1) and topmed databases. The in silico predictions# of the variant are possibly damaging by PolyPhen-2 and damaging by SIFT and LRT. The reference codon is conserved across species. In summary, the variant meets our criteria to be classified as a variant of uncertain significance.